The following is an entry in ClinVar:

ClinVar aggregate classification (germline): Uncertain significance (1 of 4 stars; one submission).

Conditions:
Primary ciliary dyskinesia. Also called: Ciliary dyskinesia. Identifiers: Orphanet 244, MedGen C0008780, MONDO:0016575, HP:0012265.

gnomAD v4.1: 4 of 1,603,926 alleles (0.00025%); highest among the groups gnomAD compares: Non-Finnish European, 0.00025%; no homozygotes.

Submission:

Labcorp Genetics (formerly Invitae), Labcorp
Classification: Uncertain significance for Primary ciliary dyskinesia. Last evaluated: 2022-03-26. Review status: criteria provided, single submitter. Criteria: Invitae Variant Classification Sherloc (09022015). Collection method: clinical testing. Allele origin: germline.
Comment: In summary, the available evidence is currently insufficient to determine the role of this variant in disease. Therefore, it has been classified as a Variant of Uncertain Significance. Advanced modeling of protein sequence and biophysical properties (such as structural, functional, and spatial information, amino acid conservation, physicochemical variation, residue mobility, and thermodynamic stability) performed at Invitae indicates that this missense variant is not expected to disrupt DNAH11 protein function. This variant has not been reported in the literature in individuals affected with DNAH11-related conditions. This variant is not present in population databases (gnomAD no frequency). This sequence change replaces isoleucine, which is neutral and non-polar, with valine, which is neutral and non-polar, at codon 472 of the DNAH11 protein (p.Ile472Val).

NM_001277115.2(DNAH11):c.1414A>G (p.Ile472Val)

Gene: DNAH11 (dynein axonemal heavy chain 11; plus strand). Cytogenetic location: 7p15.3.
Variant type: single nucleotide variant.
Coding change: c.1414A>G on transcript NM_001277115.2 (MANE Select); coding-DNA position 1414, A replaced by G.
Protein change: p.Ile472Val; replaces isoleucine 472 with valine.
Molecular consequence: missense variant.
Genome position (GRCh38, 1-based): chr7:21,570,288, A>G. VCF-style: chr7-21570288-A-G. GRCh37 (hg19) VCF-style: chr7-21609906-A-G.
Other names: c.1414A>G, p.Ile472Val (NM_003777.3); short protein forms I472V.
Identifiers: ClinVar variation 2136937 (VCV002136937.2), dbSNP rs1783833988, ClinGen allele CA366935321.